The following is an entry in ClinVar:

NM_017654.4(SAMD9):c.2284G>C (p.Val762Leu)

Gene: SAMD9 (sterile alpha motif domain containing 9; minus strand). Cytogenetic location: 7q21.2.
Variant type: single nucleotide variant.
Coding change: c.2284G>C on transcript NM_017654.4 (MANE Select); coding-DNA position 2284, G replaced by C.
Protein change: p.Val762Leu; replaces valine 762 with leucine.
Molecular consequence: missense variant.
Genome position (GRCh38, 1-based): chr7:93,103,814, C>G on the plus strand (G>C on the coding strand, the complement: SAMD9 is on the minus strand). VCF-style: chr7-93103814-C-G. GRCh37 (hg19) VCF-style: chr7-92733127-C-G.
Other names: c.2284G>C, p.Val762Leu (NM_001193307.2); short protein forms V762L.
Identifiers: ClinVar variation 2864575 (VCV002864575.3), dbSNP rs1203655184, ClinGen allele CA368191702.

ClinVar aggregate classification (germline): Uncertain significance (1 of 4 stars; one submission).

Submission:

Labcorp Genetics (formerly Invitae), Labcorp
Classification: Uncertain significance. Last evaluated: 2023-05-15. Review status: criteria provided, single submitter. Criteria: Invitae Variant Classification Sherloc (09022015). Collection method: clinical testing. Allele origin: germline.
Comment: This sequence change replaces valine, which is neutral and non-polar, with leucine, which is neutral and non-polar, at codon 762 of the SAMD9 protein (p.Val762Leu). In summary, the available evidence is currently insufficient to determine the role of this variant in disease. Therefore, it has been classified as a Variant of Uncertain Significance. Advanced modeling of protein sequence and biophysical properties (such as structural, functional, and spatial information, amino acid conservation, physicochemical variation, residue mobility, and thermodynamic stability) has been performed at Invitae for this missense variant, however the output from this modeling did not meet the statistical confidence thresholds required to predict the impact of this variant on SAMD9 protein function. This variant has not been reported in the literature in individuals affected with SAMD9-related conditions. This variant is not present in population databases (gnomAD no frequency).